The following is an entry in ClinVar:

NM_016373.4(WWOX):c.935C>A (p.Ser312Tyr)

Gene: WWOX (WW domain containing oxidoreductase; plus strand). Cytogenetic location: 16q23.1.
Variant type: single nucleotide variant.
Coding change: c.935C>A on transcript NM_016373.4 (MANE Select); coding-DNA position 935, C replaced by A.
Protein change: p.Ser312Tyr; replaces serine 312 with tyrosine.
Molecular consequence: missense variant.
Genome position (GRCh38, 1-based): chr16:78,432,631, C>A. VCF-style: chr16-78432631-C-A. GRCh37 (hg19) VCF-style: chr16-78466528-C-A.
Other names: c.596C>A, p.Ser199Tyr (NM_001291997.2); short protein forms S312Y, S199Y.
Identifiers: ClinVar variation 578011 (VCV000578011.16), dbSNP rs79399971, ClinGen allele CA8183561.

ClinVar aggregate classification (germline): Uncertain significance. Review status: criteria provided, multiple submitters, no conflicts (2 of 4 stars). 6 submissions from 6 submitters: Uncertain significance (5). 1 of the submissions does not count toward it. Last evaluated 2026-08-06.

Conditions:
Malignant tumor of esophagus. Also called: Esophageal cancer; Esophageal cancer, somatic. Identifiers: Orphanet 99977, MedGen C0546837, MONDO:0007576, OMIM 133239.
Developmental and epileptic encephalopathy, 28 (DEE28). Also called: Epileptic encephalopathy, early infantile, 28. Identifiers: Orphanet 442835, MedGen C4015519, MONDO:0014533, OMIM 616211.
Autosomal recessive spinocerebellar ataxia 12. Also called: SPINOCEREBELLAR ATAXIA WITH MENTAL RETARDATION AND EPILEPSY. Identifiers: Orphanet 284282, MedGen C3280452, MONDO:0013687, OMIM 614322.
Developmental and epileptic encephalopathy, 1 (DEE1). Also called: X-linked infantile spasms; West's syndrome; Tonic spasms with clustering, arrest of psychomotor development and hypsarrhythmia on EEG; X-Linked Infantile Spasm Syndrome; Epileptic encephalopathy, early infantile, 1; OHTAHARA SYNDROME, X-LINKED. Identifiers: MedGen C3463992, MONDO:0010632, OMIM 308350. Disease mechanism: loss of function.
WWOX-related disorder. Also called: WWOX-related condition.

Allele frequency attached by ClinVar (database versions not stated): TOPMed 0.00060; ESP Exome Variant Server 0.00072; 1000 Genomes Project 0.00120; gnomAD 0.00038; 1000 Genomes Project 30x 0.00141.
gnomAD v4.1: 141 of 1,614,218 alleles (0.0087%); highest among the groups gnomAD compares: African/African-American, 0.18%; no homozygotes.

Submissions (6):

OLLIN Analises Genomicas, OLLIN
Classification: Uncertain significance for Developmental and epileptic encephalopathy, 28. Last evaluated: 2026-08-06. Review status: criteria provided, single submitter. Criteria: ACMG Guidelines 2015 PMID 25741868. Collection method: clinical testing. Allele origin: germline. Inheritance: Autosomal recessive inheritance.
Comment: This missense variant, located in exon 8 (of 9), has been reported in ClinVar (accession VCV000437305.35) and in gnomAD with an allele frequency of 0.0087%. However, to our knowledge, it has not been reported in the scientific literature. In silico analysis predicts that this variant has a deleterious effect. According to the currently available evidence, this variant has been classified as uncertain significance (PM2_P, PP3).

GeneDx
Classification: Uncertain significance. Last evaluated: 2026-05-25. Review status: criteria provided, single submitter. Criteria: GeneDx Variant Classification Process June 2021. Collection method: clinical testing. Allele origin: germline.
Comment: In silico analysis supports that this missense variant has a deleterious effect on protein structure/function; This variant is associated with the following publications: (PMID: 25411445, 30755385, 32272438, 27093186, 21533266, 27527004, 31900157)

Labcorp Genetics (formerly Invitae), Labcorp
Classification: Uncertain significance for Developmental and epileptic encephalopathy, 1; Autosomal recessive spinocerebellar ataxia 12. Last evaluated: 2022-10-17. Review status: criteria provided, single submitter. Criteria: Invitae Variant Classification Sherloc (09022015). Collection method: clinical testing. Allele origin: germline.
Comment: This sequence change replaces serine, which is neutral and polar, with tyrosine, which is neutral and polar, at codon 312 of the WWOX protein (p.Ser312Tyr). This variant is present in population databases (rs79399971, gnomAD 0.2%). This variant has not been reported in the literature in individuals affected with WWOX-related conditions. ClinVar contains an entry for this variant (Variation ID: 578011). Advanced modeling of protein sequence and biophysical properties (such as structural, functional, and spatial information, amino acid conservation, physicochemical variation, residue mobility, and thermodynamic stability) performed at Invitae indicates that this missense variant is not expected to disrupt WWOX protein function. In summary, the available evidence is currently insufficient to determine the role of this variant in disease. Therefore, it has been classified as a Variant of Uncertain Significance.

Revvity Omics, Revvity
Classification: Uncertain significance. Last evaluated: 2022-05-19. Review status: criteria provided, single submitter. Criteria: ACMG Guidelines, 2015. Collection method: clinical testing. Allele origin: germline.

Fulgent Genetics
Classification: Uncertain significance for Malignant tumor of esophagus; Autosomal recessive spinocerebellar ataxia 12; Developmental and epileptic encephalopathy, 28. Last evaluated: 2018-10-31. Review status: criteria provided, single submitter. Criteria: ACMG Guidelines, 2015. Collection method: clinical testing. Allele origin: unknown.

PreventionGenetics, part of Exact Sciences
Classification: Likely benign for WWOX-related condition. Last evaluated: 2024-09-23. Review status: no assertion criteria provided. Collection method: clinical testing. Allele origin: germline. Not counted in ClinVar's aggregate classification.
Comment: This variant is classified as likely benign based on ACMG/AMP sequence variant interpretation guidelines (Richards et al. 2015 PMID: 25741868, with internal and published modifications).